The following is an entry in ClinVar:

ClinVar aggregate classification (germline): Uncertain significance (1 of 4 stars; one submission).

Conditions:
Gastrointestinal stromal tumor. Also called: Gastrointestinal stroma tumor; Gastrointestinal stromal tumor, somatic. Identifiers: Orphanet 44890, MedGen C0238198, MeSH D046152, MONDO:0011719, OMIM 606764, HP:0100723.

Submission:

Labcorp Genetics (formerly Invitae), Labcorp
Classification: Uncertain significance for Gastrointestinal stromal tumor. Last evaluated: 2022-02-10. Review status: criteria provided, single submitter. Criteria: Invitae Variant Classification Sherloc (09022015). Collection method: clinical testing. Allele origin: germline.
Comment: This variant has not been reported in the literature in individuals affected with KIT-related conditions. This variant is not present in population databases (gnomAD no frequency). This sequence change replaces phenylalanine, which is neutral and non-polar, with leucine, which is neutral and non-polar, at codon 879 of the KIT protein (p.Phe879Leu). In summary, the available evidence is currently insufficient to determine the role of this variant in disease. Therefore, it has been classified as a Variant of Uncertain Significance. Algorithms developed to predict the effect of missense changes on protein structure and function are either unavailable or do not agree on the potential impact of this missense change (SIFT: "Deleterious"; PolyPhen-2: "Benign"; Align-GVGD: "Class C15").

NM_000222.3(KIT):c.2635T>C (p.Phe879Leu)

Gene: KIT (KIT proto-oncogene, receptor tyrosine kinase; plus strand). Cytogenetic location: 4q12.
Variant type: single nucleotide variant.
Coding change: c.2635T>C on transcript NM_000222.3 (MANE Select); coding-DNA position 2635, T replaced by C.
Protein change: p.Phe879Leu; replaces phenylalanine 879 with leucine.
Molecular consequence: missense variant.
Genome position (GRCh38, 1-based): chr4:54,736,759, T>C. VCF-style: chr4-54736759-T-C. GRCh37 (hg19) VCF-style: chr4-55602925-T-C.
Other names: c.2623T>C, p.Phe875Leu (NM_001093772.2, NM_001385292.1); c.2638T>C, p.Phe880Leu (NM_001385284.1); c.2632T>C, p.Phe878Leu (NM_001385285.1); c.2620T>C, p.Phe874Leu (NM_001385286.1); c.2626T>C, p.Phe876Leu (NM_001385288.1); c.2635T>C, p.Phe879Leu (NM_001385290.1); short protein forms F875L, F879L, F874L, F876L, F880L, F878L.
Identifiers: ClinVar variation 2095862 (VCV002095862.4), dbSNP rs2475583740, ClinGen allele CA356913814.